The following is an entry in ClinVar:

NM_207361.6(FREM2):c.2248_2249delinsTT (p.Asp750Phe)

Gene: FREM2 (FRAS1 related extracellular matrix 2; plus strand). Cytogenetic location: 13q13.3.
Variant type: Indel.
Coding change: c.2248_2249delinsTT on transcript NM_207361.6 (MANE Select); coding-DNA positions 2248 to 2249, GA replaced by TT.
Protein change: p.Asp750Phe; replaces aspartic acid 750 with phenylalanine.
Molecular consequence: missense variant.
Genome position (GRCh38, 1-based): chr13:38,689,592-38,689,593, GA replaced by TT. VCF-style: chr13-38689592-GA-TT. GRCh37 (hg19) VCF-style: chr13-39263729-GA-TT.
Other names: short protein forms D750F.
Identifiers: ClinVar variation 3907668 (VCV003907668.1).

ClinVar aggregate classification (germline): Uncertain significance (1 of 4 stars; one submission).

Conditions:
Fraser syndrome 2 (FRASRS2). Identifiers: MedGen C4540036, MONDO:0054738, OMIM 617666.

Submission:

MVZ Medizinische Genetik Mainz
Classification: Uncertain significance for Fraser syndrome 2. Last evaluated: 2025-06-12. Review status: criteria provided, single submitter. Criteria: UK Practice Guidelines For Variant Classification V4 01 2020. Collection method: clinical testing. Allele origin: germline. Inheritance: Autosomal recessive inheritance. Affected: yes. Observed: 1 variant allele.
Comment: ACMG Criteria: PM2_SUP,PP3